The following is an entry in ClinVar:

NM_012310.5(KIF4A):c.1276G>T (p.Ala426Ser)

Gene: KIF4A (kinesin family member 4A; plus strand). Cytogenetic location: Xq13.1.
Variant type: single nucleotide variant.
Coding change: c.1276G>T on transcript NM_012310.5 (MANE Select); coding-DNA position 1276, G replaced by T.
Protein change: p.Ala426Ser; replaces alanine 426 with serine.
Molecular consequence: missense variant.
Genome position (GRCh38, 1-based): chrX:70,343,712, G>T. VCF-style: chrX-70343712-G-T. GRCh37 (hg19) VCF-style: chrX-69563562-G-T.
Other names: short protein forms A426S.
Identifiers: ClinVar variation 377032 (VCV000377032.9), dbSNP rs145983282, ClinGen allele CA10441111.

ClinVar aggregate classification (germline): Benign. Review status: criteria provided, multiple submitters, no conflicts (2 of 4 stars). 4 submissions from 4 submitters: Benign (3). 1 of the submissions does not count toward it. Last evaluated 2019-12-31.

Conditions:
KIF4A-related disorder. Also called: KIF4A-related condition.

Allele frequency attached by ClinVar (database versions not stated): gnomAD exomes 0.00050 and 0.00168; ExAC 0.00229; 1000 Genomes Project 30x 0.00499; 1000 Genomes Project 0.00556; gnomAD 0.00578 and 0.00617; TOPMed 0.00653; ESP Exome Variant Server 0.00861.
gnomAD v4.1: 1,217 of 1,209,912 alleles (0.1%); highest among the groups gnomAD compares: African/African-American, 1.9%; 7 homozygotes.

Submissions (4):

Labcorp Genetics (formerly Invitae), Labcorp
Classification: Benign. Last evaluated: 2019-12-31. Review status: criteria provided, single submitter. Criteria: Invitae Variant Classification Sherloc (09022015). Collection method: clinical testing. Allele origin: germline.

Center for Pediatric Genomic Medicine, Children's Mercy Hospital and Clinics
Classification: Benign. Last evaluated: 2017-01-05. Review status: criteria provided, single submitter. Criteria: ACMG Guidelines, 2015. Collection method: clinical testing. Allele origin: germline.

Breakthrough Genomics
Classification: Benign. Review status: criteria provided, single submitter. Criteria: ACMG Guidelines, 2015. Collection method: not provided. Allele origin: germline. Inheritance: X-linked inheritance. Affected: yes.

PreventionGenetics, part of Exact Sciences
Classification: Benign for KIF4A-related condition. Last evaluated: 2019-03-22. Review status: no assertion criteria provided. Collection method: clinical testing. Allele origin: germline. Not counted in ClinVar's aggregate classification.
Comment: This variant is classified as benign based on ACMG/AMP sequence variant interpretation guidelines (Richards et al. 2015 PMID: 25741868, with internal and published modifications).